The following is an entry in ClinVar:

ClinVar aggregate classification (germline): Conflicting classifications of pathogenicity. Review status: criteria provided, conflicting classifications (1 of 4 stars). 2 submissions from 2 submitters: Uncertain significance (1); Likely benign (1). Last evaluated 2024-01-22.

Conditions:
Inborn genetic diseases. Identifiers: MedGen C0950123, MeSH D030342.

Allele frequency attached by ClinVar (database versions not stated): gnomAD exomes 0.00001; gnomAD 0.00002; TOPMed 0.00002.
gnomAD v4.1: 13 of 1,614,128 alleles (0.00081%); highest among the groups gnomAD compares: South Asian, 0.0066%; no homozygotes.

Submissions (2):

Labcorp Genetics (formerly Invitae), Labcorp
Classification: Likely benign. Last evaluated: 2024-01-22. Review status: criteria provided, single submitter. Criteria: Invitae Variant Classification Sherloc (09022015). Collection method: clinical testing. Allele origin: germline.

Ambry Genetics
Classification: Uncertain significance for Inborn genetic diseases. Last evaluated: 2020-03-20. Review status: criteria provided, single submitter. Criteria: Ambry Variant Classification Scheme 2023. Collection method: clinical testing. Allele origin: germline.
Comment: The p.R2464C variant (also known as c.7390C>T), located in coding exon 22 of the NSD1 gene, results from a C to T substitution at nucleotide position 7390. The arginine at codon 2464 is replaced by cysteine, an amino acid with highly dissimilar properties. This amino acid position is poorly conserved in available vertebrate species. In addition, the in silico prediction for this alteration is inconclusive. Since supporting evidence is limited at this time, the clinical significance of this alteration remains unclear.

NM_022455.5(NSD1):c.7390C>T (p.Arg2464Cys)

Gene: NSD1 (nuclear receptor binding SET domain protein 1; plus strand). Cytogenetic location: 5q35.3.
Variant type: single nucleotide variant.
Coding change: c.7390C>T on transcript NM_022455.5 (MANE Select); coding-DNA position 7390, C replaced by T.
Protein change: p.Arg2464Cys; replaces arginine 2464 with cysteine.
Molecular consequence: missense variant.
Genome position (GRCh38, 1-based): chr5:177,294,758, C>T. VCF-style: chr5-177294758-C-T. GRCh37 (hg19) VCF-style: chr5-176721759-C-T.
Other names: c.6517C>T, p.Arg2173Cys (NM_001365684.2, NM_001409308.1, NM_172349.5); c.7390C>T, p.Arg2464Cys (NM_001409301.1, NM_001409302.1, NM_001409303.1); c.6970C>T, p.Arg2324Cys (NM_001409304.1); c.6637C>T, p.Arg2213Cys (NM_001409305.1); c.6628C>T, p.Arg2210Cys (NM_001409306.1, NM_001409307.1); c.6268C>T, p.Arg2090Cys (NM_001409309.1); short protein forms R2195C, R2210C, R2324C, R2464C, R2173C, R2213C, R2090C.
Identifiers: ClinVar variation 1758665 (VCV001758665.4), dbSNP rs768074196, ClinGen allele CA132863084.